The following is an entry in ClinVar:

ClinVar aggregate classification (germline): other (0 of 4 stars; one submission).

Conditions:
Familial colorectal cancer. Identifiers: MedGen CN280943, MONDO:0023113. Disease mechanism: loss of function.

Submission:

Systems Biology Platform Zhejiang California International NanoSystems Institute
Classification: other for Familial colorectal cancer. Review status: no assertion criteria provided. Collection method: not provided. Allele origin: unknown.
ClinVar note: Converted during submission from cancer to other.

NM_000038.6(APC):c.645+1515G>T

Gene: APC (APC regulator of WNT signaling pathway; plus strand). Cytogenetic location: 5q22.2.
Variant type: single nucleotide variant.
Coding change: c.645+1515G>T on transcript NM_000038.6 (MANE Select); 1515 bases into the intron after coding-DNA position 645, G replaced by T.
Molecular consequence: intron variant.
Genome position (GRCh38, 1-based): chr5:112,782,418, G>T. VCF-style: chr5-112782418-G-T. GRCh37 (hg19) VCF-style: chr5-112118115-G-T.
Other names: c.645+1515G>T (NM_001354895.2, NM_001127510.3, NM_001354896.2 and 2 more transcripts); c.675+1515G>T (NM_001354897.2, NM_001354902.2, NM_001127511.3); c.570+1515G>T (NM_001354898.2, NM_001354904.2); c.-391+1515G>T (NM_001354906.2); c.468+1515G>T (NM_001354900.2, NM_001354901.2, NM_001354905.2).
Identifiers: ClinVar variation 82439 (VCV000082439.2), dbSNP rs75550041, ClinGen allele CA011248.
Genomic context (GRCh38, chr5:112,782,418, plus strand): 5'-GTGGGGACACAGCCAAACCATATCACCCAGCCTAAACATAATGTATATTCTATCTGTTTT[G>T]GAGTATGGTGGAAGGCTAAGGTGCTACTAAAACACCAGTACCATACTACATTTCATAGTC-3'